The following is an entry in ClinVar:

ClinVar aggregate classification (germline): Benign/Likely benign. Review status: criteria provided, multiple submitters, no conflicts (2 of 4 stars). 7 submissions from 6 submitters: Benign (5); Likely benign (1). 1 of the submissions does not count toward it. Last evaluated 2026-02-01.

Conditions:
Rothmund-Thomson syndrome type 2 (RTS2). Identifiers: Orphanet 221016, MedGen C5203410, MONDO:0016369, OMIM 268400.
Baller-Gerold syndrome (BGS). Also called: CRANIOSYNOSTOSIS WITH RADIAL DEFECTS. Identifiers: Orphanet 1225, MedGen C0265308, MONDO:0009039, OMIM 218600.
Rapadilino syndrome. Identifiers: Orphanet 3021, MedGen C1849453, MONDO:0009955, OMIM 266280.

Allele frequency attached by ClinVar (database versions not stated): gnomAD 0.00005 and 0.00146; TOPMed 0.00029; gnomAD exomes 0.00252 and 0.00532; ExAC 0.00645; 1000 Genomes Project 30x 0.00968; 1000 Genomes Project 0.01158.
gnomAD v4.1: 3,926 of 1,610,090 alleles (0.24%); highest among the groups gnomAD compares: South Asian, 4%; 128 homozygotes.

Submissions (7):

Labcorp Genetics (formerly Invitae), Labcorp
Classification: Benign for Baller-Gerold syndrome. Last evaluated: 2026-02-01. Review status: criteria provided, single submitter. Criteria: Invitae Variant Classification Sherloc (09022015). Collection method: clinical testing. Allele origin: germline.

KCCC/NGS Laboratory, Kuwait Cancer Control Center
Classification: Benign for Rapadilino syndrome. Last evaluated: 2025-02-01. Review status: criteria provided, single submitter. Criteria: ACMG Guidelines, 2015. Collection method: clinical testing. Allele origin: germline. Affected: no.

Blueprint Genetics
Classification: Likely benign. Last evaluated: 2024-11-19. Review status: criteria provided, single submitter. Criteria: ACMG Guidelines, 2015. Collection method: clinical testing. Allele origin: germline.

KCCC/NGS Laboratory, Kuwait Cancer Control Center
Classification: Benign for Rothmund-Thomson syndrome type 2. Last evaluated: 2023-07-07. Review status: criteria provided, single submitter. Criteria: ACMG Guidelines, 2015. Collection method: clinical testing. Allele origin: germline. Affected: yes.

GeneDx
Classification: Benign. Last evaluated: 2021-08-05. Review status: criteria provided, single submitter. Criteria: GeneDx Variant Classification Process June 2021. Collection method: clinical testing. Allele origin: germline. Affected: yes.

Eurofins Ntd Llc (ga)
Classification: Benign. Last evaluated: 2015-10-09. Review status: criteria provided, single submitter. Criteria: EGL Classification Definitions 2015. Collection method: clinical testing. Allele origin: germline. Observed: 1 variant allele, 1 heterozygote.

ITMI
No classification provided. Condition: AllHighlyPenetrant. Last evaluated: 2013-09-19. Review status: no classification provided. Collection method: reference population. Allele origin: germline. Not counted in ClinVar's aggregate classification.
Comment: Please see associated publication for description of ethnicities

Literature cited by the submitters: PubMed 24728327 (cited by ITMI).

NM_004260.4(RECQL4):c.755C>T (p.Pro252Leu)

Gene: RECQL4 (RecQ like helicase 4; minus strand). Cytogenetic location: 8q24.3.
Variant type: single nucleotide variant.
Coding change: c.755C>T on transcript NM_004260.4 (MANE Select); coding-DNA position 755, C replaced by T.
Protein change: p.Pro252Leu; replaces proline 252 with leucine.
Molecular consequence: missense variant.
Genome position (GRCh38, 1-based): chr8:144,516,364, G>A on the plus strand (C>T on the coding strand, the complement: RECQL4 is on the minus strand). VCF-style: chr8-144516364-G-A. GRCh37 (hg19) VCF-style: chr8-145741748-G-A.
Other names: short protein forms P252L.
Identifiers: ClinVar variation 135165 (VCV000135165.19), dbSNP rs199773279, ClinGen allele CA161886.